The following is an entry in ClinVar:

ClinVar aggregate classification (germline): Pathogenic (1 of 4 stars; one submission).

Submission:

Labcorp Genetics (formerly Invitae), Labcorp
Classification: Pathogenic. Last evaluated: 2025-10-05. Review status: criteria provided, single submitter. Criteria: Invitae Variant Classification Sherloc (09022015). Collection method: clinical testing. Allele origin: germline.
Comment: This sequence change creates a premature translational stop signal (p.Lys253*) in the PDZD7 gene. It is expected to result in an absent or disrupted protein product. Loss-of-function variants in PDZD7 are known to be pathogenic (PMID: 20440071). This variant is not present in population databases (gnomAD no frequency). This variant has not been reported in the literature in individuals affected with PDZD7-related conditions. ClinVar contains an entry for this variant (Variation ID: 2852966). For these reasons, this variant has been classified as Pathogenic.

Literature cited by the submitters: PubMed 20440071.

NM_001195263.2(PDZD7):c.757A>T (p.Lys253Ter)

Gene: PDZD7 (PDZ domain containing 7; minus strand). Cytogenetic location: 10q24.31.
Variant type: single nucleotide variant.
Coding change: c.757A>T on transcript NM_001195263.2 (MANE Select); coding-DNA position 757, A replaced by T.
Protein change: p.Lys253Ter; replaces lysine 253 with a stop codon.
Molecular consequence: nonsense.
Genome position (GRCh38, 1-based): chr10:101,021,908, T>A on the plus strand (A>T on the coding strand, the complement: PDZD7 is on the minus strand). VCF-style: chr10-101021908-T-A. GRCh37 (hg19) VCF-style: chr10-102781665-T-A.
Other names: c.757A>T, p.Lys253Ter (NM_001351044.2, NM_024895.5); short protein forms K253*.
Identifiers: ClinVar variation 2852966 (VCV002852966.3), dbSNP rs2492934382, ClinGen allele CA378229850.